The following is an entry in ClinVar:

ClinVar aggregate classification (germline): Uncertain significance (1 of 4 stars; one submission).

Conditions:
Hearing impairment. Also called: Impaired Hearing. Identifiers: MedGen C1384666, MONDO:0005365, HP:0000365.

Allele frequency attached by ClinVar (database versions not stated): gnomAD exomes 0.00001; ExAC 0.00002.

Submission:

Department of Otolaryngology – Head & Neck Surgery, Cochlear Implant Center
Classification: Uncertain significance for Hearing impairment. Last evaluated: 2021-04-12. Review status: criteria provided, single submitter. Criteria: ClinGen HL ACMG Specifications v1. Collection method: clinical testing. Allele origin: germline. Affected: yes.
Comment: PM2_Moderate, PP3_Supporting

NM_001124758.3(SPNS2):c.643C>G (p.Pro215Ala)

Gene: SPNS2 (SPNS lysolipid transporter 2, sphingosine-1-phosphate; plus strand). Cytogenetic location: 17p13.2.
Variant type: single nucleotide variant.
Coding change: c.643C>G on transcript NM_001124758.3 (MANE Select); coding-DNA position 643, C replaced by G.
Protein change: p.Pro215Ala; replaces proline 215 with alanine.
Molecular consequence: missense variant.
Genome position (GRCh38, 1-based): chr17:4,530,701, C>G. VCF-style: chr17-4530701-C-G. GRCh37 (hg19) VCF-style: chr17-4433996-C-G.
Other names: short protein forms P215A.
Identifiers: ClinVar variation 1064903 (VCV001064903.3), dbSNP rs778581497, ClinGen allele CA8302913.
Genomic context (GRCh38, chr17:4,530,701, plus strand): 5'-CTGCTGGTCCTGTCCCGGGGGCTGGTGGGCATCGGGGAGGCCAGCTACTCCACCATCGCC[C>G]CCACTATCATTGGCGACCTCTTCACCAAGAACACGCGTACGCTCATGCTGTCCGTCTTCT-3'
Protein context (NP_001118230.1, residues 205-225): IGEASYSTIA[Pro215Ala]TIIGDLFTKN